The following is an entry in ClinVar:

NM_138694.4(PKHD1):c.527+1G>A

Gene: PKHD1 (PKHD1 ciliary IPT domain containing fibrocystin/polyductin; minus strand). Cytogenetic location: 6p12.2.
Variant type: single nucleotide variant.
Coding change: c.527+1G>A on transcript NM_138694.4 (MANE Select); the canonical splice donor site of the intron after coding-DNA position 527, G replaced by A.
Molecular consequence: splice donor variant.
Genome position (GRCh38, 1-based): chr6:52,073,462, C>T on the plus strand (G>A on the coding strand, the complement: PKHD1 is on the minus strand). VCF-style: chr6-52073462-C-T. GRCh37 (hg19) VCF-style: chr6-51938260-C-T.
Other names: c.527+1G>A (NM_170724.3).
Identifiers: ClinVar variation 4816689 (VCV004816689.1).

ClinVar aggregate classification (germline): Likely pathogenic (1 of 4 stars; one submission).

Conditions:
Autosomal recessive polycystic kidney disease (ARPKD). Also called: AR polycystic kidney disease. Identifiers: Orphanet 731, Orphanet 8378, MedGen C0085548, MeSH D017044, MONDO:0009889.

Submission:

Natera, Inc.
Classification: Likely pathogenic for Autosomal recessive polycystic kidney disease. Last evaluated: 2024-06-03. Review status: criteria provided, single submitter. Criteria: Natera Variant Classification Schema (03/2026). Collection method: clinical testing. Allele origin: germline.
Comment: The c.527+1G>A variant in PKHD1 is a canonical splice donor site variant predicted to affect pre-mRNA splicing, which may result in an abnormal transcript and altered protein product. This variant is expected to result in nonsense mediated decay, truncation, or a dysfunctional protein product. This variant is rare in the general population with a frequency below the threshold expected for the associated phenotype(s). Given the available evidence, this variant is classified as Likely Pathogenic.